The following is an entry in ClinVar:

NM_001123385.2(BCOR):c.1563T>A (p.Asn521Lys)

Genes: BCOR (BCL6 corepressor; minus strand), LOC126863239 (MED14-independent group 3 enhancer GRCh37_chrX:39932994-39934193; plus strand). Cytogenetic location: Xp11.4.
Variant type: single nucleotide variant.
Coding change: c.1563T>A on transcript NM_001123385.2 (MANE Select); coding-DNA position 1563, T replaced by A.
Protein change: p.Asn521Lys; replaces asparagine 521 with lysine.
Molecular consequence: missense variant.
Genome position (GRCh38, 1-based): chrX:40,073,783, A>T on the plus strand (T>A on the coding strand, the complement: BCOR is on the minus strand). VCF-style: chrX-40073783-A-T. GRCh37 (hg19) VCF-style: chrX-39933036-A-T.
Other names: c.1563T>A, p.Asn521Lys (NM_001123383.2, NM_001123384.2, NM_017745.6); short protein forms N521K.
Identifiers: ClinVar variation 2660315 (VCV002660315.24), dbSNP rs775342174, ClinGen allele CA10386914.

ClinVar aggregate classification (germline): Likely benign (1 of 4 stars; one submission).

Allele frequency attached by ClinVar (database versions not stated): TOPMed below 0.00001; ExAC 0.00001; gnomAD exomes 0.00002; gnomAD 0.00003.
gnomAD v4.1: 26 of 1,211,581 alleles (0.0021%); highest among the groups gnomAD compares: Non-Finnish European, 0.0027%; no homozygotes.

Submission:

CeGaT Center for Human Genetics Tuebingen
Classification: Likely benign. Last evaluated: 2022-04-01. Review status: criteria provided, single submitter. Criteria: CeGaT Center For Human Genetics Tuebingen Variant Classification Criteria Version 2. Collection method: clinical testing. Allele origin: germline. Affected: yes. Observed: 1 variant allele.
Comment: BCOR: BP4, BS2